The following is an entry in ClinVar:

NM_002772.3(TMPRSS15):c.487G>T (p.Asp163Tyr)

Gene: TMPRSS15 (transmembrane serine protease 15; minus strand). Cytogenetic location: 21q21.1.
Variant type: single nucleotide variant.
Coding change: c.487G>T on transcript NM_002772.3 (MANE Select); coding-DNA position 487, G replaced by T.
Protein change: p.Asp163Tyr; replaces aspartic acid 163 with tyrosine.
Molecular consequence: missense variant.
Genome position (GRCh38, 1-based): chr21:18,383,636, C>A on the plus strand (G>T on the coding strand, the complement: TMPRSS15 is on the minus strand). VCF-style: chr21-18383636-C-A. GRCh37 (hg19) VCF-style: chr21-19755953-C-A.
Other names: short protein forms D163Y.
Identifiers: ClinVar variation 1972593 (VCV001972593.4), dbSNP rs374403435, ClinGen allele CA9984749.

ClinVar aggregate classification (germline): Uncertain significance (1 of 4 stars; one submission).

Allele frequency attached by ClinVar (database versions not stated): ExAC 0.00001; gnomAD 0.00001; gnomAD exomes 0.00001; TOPMed 0.00001; ESP Exome Variant Server 0.00008.
gnomAD v4.1: 6 of 1,613,600 alleles (0.00037%); highest among the groups gnomAD compares: African/African-American, 0.0013%; no homozygotes.

Submission:

Labcorp Genetics (formerly Invitae), Labcorp
Classification: Uncertain significance. Last evaluated: 2024-02-02. Review status: criteria provided, single submitter. Criteria: Invitae Variant Classification Sherloc (09022015). Collection method: clinical testing. Allele origin: germline.
Comment: This sequence change replaces aspartic acid, which is acidic and polar, with tyrosine, which is neutral and polar, at codon 163 of the TMPRSS15 protein (p.Asp163Tyr). The frequency data for this variant in the population databases is considered unreliable, as metrics indicate poor data quality at this position in the gnomAD database. This variant has not been reported in the literature in individuals affected with TMPRSS15-related conditions. ClinVar contains an entry for this variant (Variation ID: 1972593). Algorithms developed to predict the effect of missense changes on protein structure and function output the following: SIFT: "Not Available"; PolyPhen-2: "Benign"; Align-GVGD: "Not Available". The tyrosine amino acid residue is found in multiple mammalian species, which suggests that this missense change does not adversely affect protein function. In summary, the available evidence is currently insufficient to determine the role of this variant in disease. Therefore, it has been classified as a Variant of Uncertain Significance.